The following is an entry in ClinVar:

ClinVar aggregate classification (germline): Uncertain significance. Review status: criteria provided, multiple submitters, no conflicts (2 of 4 stars). 2 submissions from 2 submitters: Uncertain significance (2). Last evaluated 2024-01-15.

Conditions:
Cardiomyopathy (CMYO). Also called: Cardiomyopathies. Identifiers: Orphanet 167848, MedGen C0878544, MONDO:0004994, HP:0001638. Inheritance: Various modes of inheritance.
Hypertrophic cardiomyopathy 2. Also called: TNNT2-Related Familial Hypertrophic Cardiomyopathy. Identifiers: MedGen C1861864, MONDO:0007266, OMIM 115195.
Dilated cardiomyopathy 1D. Identifiers: Orphanet 154, Orphanet 54260, MedGen C1832243, MONDO:0011095, OMIM 601494.
Cardiomyopathy, familial restrictive, 3. Identifiers: Orphanet 75249, MedGen C2676271, MONDO:0012900, OMIM 612422.

Allele frequency attached by ClinVar (database versions not stated): gnomAD exomes below 0.00001; ExAC 0.00001; gnomAD 0.00001; TOPMed 0.00001.
gnomAD v4.1: 4 of 1,613,952 alleles (0.00025%); highest among the groups gnomAD compares: African/African-American, 0.0027%; no homozygotes.

Submissions (2):

Labcorp Genetics (formerly Invitae), Labcorp
Classification: Uncertain significance for Cardiomyopathy, familial restrictive, 3; Hypertrophic cardiomyopathy 2; Dilated cardiomyopathy 1D. Last evaluated: 2024-01-15. Review status: criteria provided, single submitter. Criteria: Invitae Variant Classification Sherloc (09022015). Collection method: clinical testing. Allele origin: germline.
Comment: This sequence change creates a premature translational stop signal (p.Arg158*) in the TNNT2 gene. It is expected to result in an absent or disrupted protein product. However, the current clinical and genetic evidence is not sufficient to establish whether loss-of-function variants in TNNT2 cause disease. This variant is present in population databases (rs730881103, gnomAD 0.007%). This variant has not been reported in the literature in individuals affected with TNNT2-related conditions. ClinVar contains an entry for this variant (Variation ID: 2202919). Algorithms developed to predict the effect of sequence changes on RNA splicing suggest that this variant may disrupt the consensus splice site. In summary, the available evidence is currently insufficient to determine the role of this variant in disease. Therefore, it has been classified as a Variant of Uncertain Significance.

All of Us Research Program, National Institutes of Health
Classification: Uncertain significance for Cardiomyopathy. Last evaluated: 2023-12-01. Review status: criteria provided, single submitter. Criteria: ACMG Guidelines, 2015. Collection method: clinical testing. Allele origin: germline. Inheritance: Autosomal dominant inheritance. Observed: 2 variant alleles, 2 heterozygotes.
Comment: This study involves interpretation of variants in research participants for the purpose of population health screening. Participant phenotype was not available at the time of variant classification. Additional details can be found in publication PMID: 35346344, PMCID: PMC8962531

NM_001276345.2(TNNT2):c.502C>T (p.Arg168Ter)

Gene: TNNT2 (troponin T2, cardiac type; minus strand). Cytogenetic location: 1q32.1.
Variant type: single nucleotide variant.
Coding change: c.502C>T on transcript NM_001276345.2 (MANE Select); coding-DNA position 502, C replaced by T.
Protein change: p.Arg168Ter; replaces arginine 168 with a stop codon.
Molecular consequence: nonsense.
Genome position (GRCh38, 1-based): chr1:201,363,394, G>A on the plus strand (C>T on the coding strand, the complement: TNNT2 is on the minus strand). VCF-style: chr1-201363394-G-A. GRCh37 (hg19) VCF-style: chr1-201332522-G-A.
Other names: c.502C>T, p.Arg168Ter (NM_000364.4, NM_001406723.1); c.472C>T, p.Arg158Ter (NM_001001430.3, NM_001001431.3, NM_001276347.2 and 3 more transcripts); c.457C>T, p.Arg153Ter (NM_001001432.3, NM_001406728.1); c.382C>T, p.Arg128Ter (NM_001276346.2); c.469C>T, p.Arg157Ter (NM_001406725.1); short protein forms R128*, R168*, R153*, R157*, R158*.
Identifiers: ClinVar variation 2202919 (VCV002202919.5), dbSNP rs730881103, ClinGen allele CA089029.
Genomic context (GRCh38, chr1:201,363,394, plus strand): 5'-AAGCCTTCTTCTTCCGGGCCTCATCCTCAGCCTTCCTCCTGTTCTCCTCCTCCTCTCGTC[G>A]AGCCCTCTCTTCCTGATTTACAGCAGGGAGGAAGAAAGCAAATTAGGGGAAAGGATTGGA-3'